The following is an entry in ClinVar:

ClinVar aggregate classification (germline): Uncertain significance (1 of 4 stars; one submission).

Allele frequency attached by ClinVar (database versions not stated): ExAC 0.00002.
gnomAD v4.1: 4 of 1,608,534 alleles (0.00025%); highest among the groups gnomAD compares: Non-Finnish European, 0.00017%; no homozygotes.

Submission:

Labcorp Genetics (formerly Invitae), Labcorp
Classification: Uncertain significance. Last evaluated: 2025-04-21. Review status: criteria provided, single submitter. Criteria: Invitae Variant Classification Sherloc (09022015). Collection method: clinical testing. Allele origin: germline.
Comment: This sequence change replaces serine, which is neutral and polar, with cysteine, which is neutral and slightly polar, at codon 149 of the TMTC3 protein (p.Ser149Cys). This variant is present in population databases (rs746911439, gnomAD 0.002%). This variant has not been reported in the literature in individuals affected with TMTC3-related conditions. ClinVar contains an entry for this variant (Variation ID: 1973500). An algorithm developed to predict the effect of missense changes on protein structure and function (PolyPhen-2) suggests that this variant is likely to be disruptive. In summary, the available evidence is currently insufficient to determine the role of this variant in disease. Therefore, it has been classified as a Variant of Uncertain Significance.

NM_181783.4(TMTC3):c.446C>G (p.Ser149Cys)

Gene: TMTC3 (transmembrane O-mannosyltransferase targeting cadherins 3; plus strand). Cytogenetic location: 12q21.32.
Variant type: single nucleotide variant.
Coding change: c.446C>G on transcript NM_181783.4 (MANE Select); coding-DNA position 446, C replaced by G.
Protein change: p.Ser149Cys; replaces serine 149 with cysteine.
Molecular consequence: missense variant. On other transcripts: 5 prime UTR variant (1), non-coding transcript variant (1).
Genome position (GRCh38, 1-based): chr12:88,154,325, C>G. VCF-style: chr12-88154325-C-G. GRCh37 (hg19) VCF-style: chr12-88548102-C-G.
Other names: c.266C>G, p.Ser89Cys (NM_001366574.1); c.227C>G, p.Ser76Cys (NM_001366579.1); c.179C>G, p.Ser60Cys (NM_001366580.1); c.-248C>G (NM_001366583.1); short protein forms S149C, S60C, S89C, S76C.
Identifiers: ClinVar variation 1973500 (VCV001973500.5), dbSNP rs746911439, ClinGen allele CA6713048.